The following is an entry in ClinVar:

ClinVar aggregate classification (germline): Uncertain significance (0 of 4 stars; one submission).

Conditions:
F8-related disorder. Also called: F8-related condition.

Submission:

PreventionGenetics, part of Exact Sciences
Classification: Uncertain significance for F8-related condition. Last evaluated: 2024-06-11. Review status: no assertion criteria provided. Collection method: clinical testing. Allele origin: germline.
Comment: The F8 c.5110A>C variant is predicted to result in the amino acid substitution p.Asn1704His. To our knowledge, this variant has not been reported in the literature or in gnomAD, indicating this variant is rare. At this time, the clinical significance of this variant is uncertain due to the absence of conclusive functional and genetic evidence.

NM_000132.4(F8):c.5110A>C (p.Asn1704His)

Gene: F8 (coagulation factor VIII; minus strand). Cytogenetic location: Xq28.
Variant type: single nucleotide variant.
Coding change: c.5110A>C on transcript NM_000132.4 (MANE Select); coding-DNA position 5110, A replaced by C.
Protein change: p.Asn1704His; replaces asparagine 1704 with histidine.
Molecular consequence: missense variant.
Genome position (GRCh38, 1-based): chrX:154,928,680, T>G on the plus strand (A>C on the coding strand, the complement: F8 is on the minus strand). VCF-style: chrX-154928680-T-G. GRCh37 (hg19) VCF-style: chrX-154156955-T-G.
Other names: short protein forms N1704H.
Identifiers: ClinVar variation 3344165 (VCV003344165.1).